The following is an entry in ClinVar:

NM_000719.7(CACNA1C):c.1769G>A (p.Arg590His)

Gene: CACNA1C (calcium voltage-gated channel subunit alpha1 C; plus strand). Cytogenetic location: 12p13.33.
Variant type: single nucleotide variant.
Coding change: c.1769G>A on transcript NM_000719.7 (MANE Select); coding-DNA position 1769, G replaced by A.
Protein change: p.Arg590His; replaces arginine 590 with histidine.
Molecular consequence: missense variant.
Genome position (GRCh38, 1-based): chr12:2,567,668, G>A. VCF-style: chr12-2567668-G-A. GRCh37 (hg19) VCF-style: chr12-2676834-G-A.
Other names: c.1769G>A, p.Arg590His (NM_001129839.2, NM_001129840.2, NM_001129841.2 and 18 more transcripts); c.1760G>A, p.Arg587His (NM_001129844.2); short protein forms R587H, R590H.
Identifiers: ClinVar variation 1395844 (VCV001395844.6), dbSNP rs761586376, ClinGen allele CA6388852.

ClinVar aggregate classification (germline): Uncertain significance (1 of 4 stars; one submission).

Conditions:
Long QT syndrome (LQTS). Identifiers: MedGen C0023976, MeSH D008133, MONDO:0002442. Disease mechanism: loss of function. Inheritance: Various modes of inheritance.

Allele frequency attached by ClinVar (database versions not stated): gnomAD exomes below 0.00001; ExAC 0.00001.
gnomAD v4.1: 5 of 1,613,446 alleles (0.00031%); highest among the groups gnomAD compares: South Asian, 0.0022%; no homozygotes.

Submission:

Labcorp Genetics (formerly Invitae), Labcorp
Classification: Uncertain significance for Long QT syndrome. Last evaluated: 2025-11-24. Review status: criteria provided, single submitter. Criteria: Invitae Variant Classification Sherloc (09022015). Collection method: clinical testing. Allele origin: germline.
Comment: This sequence change replaces arginine, which is basic and polar, with histidine, which is basic and polar, at codon 590 of the CACNA1C protein (p.Arg590His). The frequency data for this variant in the population databases is considered unreliable, as metrics indicate poor data quality at this position in the gnomAD database. This variant has not been reported in the literature in individuals affected with CACNA1C-related conditions. ClinVar contains an entry for this variant (Variation ID: 1395844). Invitae Evidence Modeling of protein sequence and biophysical properties (such as structural, functional, and spatial information, amino acid conservation, physicochemical variation, residue mobility, and thermodynamic stability) indicates that this missense variant is expected to disrupt CACNA1C protein function with a positive predictive value of 95%. In summary, the available evidence is currently insufficient to determine the role of this variant in disease. Therefore, it has been classified as a Variant of Uncertain Significance.